The following is an entry in ClinVar:

NM_018406.7(MUC4):c.7935C>T (p.Asp2645=)

Gene: MUC4 (mucin 4, cell surface associated). Cytogenetic location: 3q29.
Variant type: single nucleotide variant.
Coding change: c.7935C>T on transcript NM_018406.7 (MANE Select); coding-DNA position 7935, C replaced by T.
Protein change: p.Asp2645=; no amino-acid change (aspartic acid 2645 retained).
Molecular consequence: synonymous variant. On other transcripts: genic upstream transcript variant (2).
Genome position (GRCh38, 1-based): chr3:195,783,645, G>A on the plus strand (C>T on the coding strand, the complement: MUC4 is on the minus strand). VCF-style: chr3-195783645-G-A. GRCh37 (hg19) VCF-style: chr3-195510516-G-A.
Other names: c.11406C>T, p.Asp3802= (NM_001322468.1); c.83-9340C>T (NM_138297.5); c.83-5190C>T (NM_004532.6).
Identifiers: ClinVar variation 2654460 (VCV002654460.24), dbSNP rs373883667, ClinGen allele CA90769427.

ClinVar aggregate classification (germline): Likely benign (1 of 4 stars; one submission).

Submission:

CeGaT Center for Human Genetics Tuebingen
Classification: Likely benign. Last evaluated: 2025-01-01. Review status: criteria provided, single submitter. Criteria: CeGaT Center For Human Genetics Tuebingen Variant Classification Criteria Version 2. Collection method: clinical testing. Allele origin: germline. Affected: yes. Observed: 3 variant alleles.
Comment: MUC4: BP4, BP7